The following is an entry in ClinVar:

NM_003482.4(KMT2D):c.10507+6T>C

Gene: KMT2D (lysine methyltransferase 2D; minus strand). Cytogenetic location: 12q13.12.
Variant type: single nucleotide variant.
Coding change: c.10507+6T>C on transcript NM_003482.4 (MANE Select); 6 bases into the intron after coding-DNA position 10507, T replaced by C.
Molecular consequence: intron variant.
Genome position (GRCh38, 1-based): chr12:49,034,404, A>G on the plus strand (T>C on the coding strand, the complement: KMT2D is on the minus strand). VCF-style: chr12-49034404-A-G. GRCh37 (hg19) VCF-style: chr12-49428187-A-G.
Identifiers: ClinVar variation 3724243 (VCV003724243.2).

ClinVar aggregate classification (germline): Uncertain significance (1 of 4 stars; one submission).

Conditions:
Kabuki syndrome. Also called: NIIKAWA-KUROKI SYNDROME; Kabuki make-up syndrome. Identifiers: Orphanet 2322, MedGen C0796004, MONDO:0016512.

Submission:

Labcorp Genetics (formerly Invitae), Labcorp
Classification: Uncertain significance for Kabuki syndrome. Last evaluated: 2024-12-12. Review status: criteria provided, single submitter. Criteria: Invitae Variant Classification Sherloc (09022015). Collection method: clinical testing. Allele origin: germline.
Comment: This sequence change falls in intron 37 of the KMT2D gene. It does not directly change the encoded amino acid sequence of the KMT2D protein. It affects a nucleotide within the consensus splice site. This variant is not present in population databases (gnomAD no frequency). This variant has been observed in individual(s) with Kabuki syndrome (PMID: 37810849). In at least one individual the variant was observed to be de novo. Variants that disrupt the consensus splice site are a relatively common cause of aberrant splicing (PMID: 17576681, 9536098). Studies have shown that this variant is associated with inconclusive levels of altered splicing (PMID: 37810849). In summary, the available evidence is currently insufficient to determine the role of this variant in disease. Therefore, it has been classified as a Variant of Uncertain Significance.

Literature cited by the submitters: PubMed 37810849; PubMed 17576681; PubMed 9536098.